The following is an entry in ClinVar:

NM_003907.3(EIF2B5):c.1013C>T (p.Ser338Phe)

Gene: EIF2B5 (eukaryotic translation initiation factor 2B subunit epsilon; plus strand). Cytogenetic location: 3q27.1.
Variant type: single nucleotide variant.
Coding change: c.1013C>T on transcript NM_003907.3 (MANE Select); coding-DNA position 1013, C replaced by T.
Protein change: p.Ser338Phe; replaces serine 338 with phenylalanine.
Molecular consequence: missense variant.
Genome position (GRCh38, 1-based): chr3:184,140,587, C>T. VCF-style: chr3-184140587-C-T. GRCh37 (hg19) VCF-style: chr3-183858375-C-T.
Other names: short protein forms S338F.
Identifiers: ClinVar variation 1408794 (VCV001408794.6), dbSNP rs2109009103, ClinGen allele CA355385743.
Genomic context (GRCh38, chr3:184,140,587, plus strand): 5'-TCTACCCTCTCACCCCAGAGGCGAACTTCACTGACAGCACCACCCAGAGCTGCACTCATT[C>T]CCGGCACAACATCTACCGAGGGCCTGAGGTCAGCCTGGGCCATGGCAGCATCCTAGAGGA-3'
Protein context (NP_003898.2, residues 328-348): TDSTTQSCTH[Ser338Phe]RHNIYRGPEV

ClinVar aggregate classification (germline): Uncertain significance (1 of 4 stars; one submission).

Allele frequency attached by ClinVar (database versions not stated): gnomAD exomes below 0.00001.

Submission:

Labcorp Genetics (formerly Invitae), Labcorp
Classification: Uncertain significance. Last evaluated: 2021-10-08. Review status: criteria provided, single submitter. Criteria: Invitae Variant Classification Sherloc (09022015). Collection method: clinical testing. Allele origin: germline.
Comment: In summary, the available evidence is currently insufficient to determine the role of this variant in disease. Therefore, it has been classified as a Variant of Uncertain Significance. Advanced modeling of protein sequence and biophysical properties (such as structural, functional, and spatial information, amino acid conservation, physicochemical variation, residue mobility, and thermodynamic stability) performed at Invitae indicates that this missense variant is expected to disrupt EIF2B5 protein function. This variant has not been reported in the literature in individuals affected with EIF2B5-related conditions. This variant is not present in population databases (ExAC no frequency). This sequence change replaces serine with phenylalanine at codon 338 of the EIF2B5 protein (p.Ser338Phe). The serine residue is moderately conserved and there is a large physicochemical difference between serine and phenylalanine.